The following is an entry in ClinVar:

NM_001017974.2(P4HA2):c.1068C>T (p.Ile356=)

Gene: P4HA2 (prolyl 4-hydroxylase subunit alpha 2; minus strand). Cytogenetic location: 5q31.1.
Variant type: single nucleotide variant.
Coding change: c.1068C>T on transcript NM_001017974.2 (MANE Select); coding-DNA position 1068, C replaced by T.
Protein change: p.Ile356=; no amino-acid change (isoleucine 356 retained).
Molecular consequence: synonymous variant. On other transcripts: intron variant (1).
Genome position (GRCh38, 1-based): chr5:132,207,720, G>A on the plus strand (C>T on the coding strand, the complement: P4HA2 is on the minus strand). VCF-style: chr5-132207720-G-A. GRCh37 (hg19) VCF-style: chr5-131543413-G-A.
Other names: c.1068C>T, p.Ile356= (NM_001142598.2, NM_001142599.2, NM_001365677.2 and 4 more transcripts); c.903+1418C>T (NM_001365681.2).
Identifiers: ClinVar variation 745803 (VCV000745803.5), dbSNP rs143480300, ClinGen allele CA3402559.

ClinVar aggregate classification (germline): Likely benign. Review status: criteria provided, multiple submitters, no conflicts (2 of 4 stars). 2 submissions from 2 submitters: Likely benign (2). Last evaluated 2026-04-01.

Allele frequency attached by ClinVar (database versions not stated): ExAC 0.00007; gnomAD exomes 0.00007; TOPMed 0.00011; gnomAD 0.00025; ESP Exome Variant Server 0.00031.
gnomAD v4.1: 215 of 1,613,544 alleles (0.013%); highest among the groups gnomAD compares: Non-Finnish European, 0.016%; no homozygotes.

Submissions (2):

CeGaT Center for Human Genetics Tuebingen
Classification: Likely benign. Last evaluated: 2026-04-01. Review status: criteria provided, single submitter. Criteria: CeGaT Center For Human Genetics Tuebingen Variant Classification Criteria Version 2. Collection method: clinical testing. Allele origin: germline. Affected: yes. Observed: 1 variant allele.
Comment: P4HA2: BP4, BP7

Labcorp Genetics (formerly Invitae), Labcorp
Classification: Likely benign. Last evaluated: 2018-05-20. Review status: criteria provided, single submitter. Criteria: Invitae Variant Classification Sherloc (09022015). Collection method: clinical testing. Allele origin: germline.